The following is an entry in ClinVar:

ClinVar aggregate classification (germline): Uncertain significance (1 of 4 stars; one submission).

Conditions:
Holoprosencephaly 5 (HPE5). Identifiers: Orphanet 2162, MedGen C1864827, MONDO:0012322, OMIM 609637.

Allele frequency attached by ClinVar (database versions not stated): TOPMed 0.00002.

Submission:

Labcorp Genetics (formerly Invitae), Labcorp
Classification: Uncertain significance for Holoprosencephaly 5. Last evaluated: 2022-06-03. Review status: criteria provided, single submitter. Criteria: Invitae Variant Classification Sherloc (09022015). Collection method: clinical testing. Allele origin: germline.
Comment: This variant is not present in population databases (gnomAD no frequency). This sequence change replaces threonine, which is neutral and polar, with serine, which is neutral and polar, at codon 285 of the ZIC2 protein (p.Thr285Ser). This variant has not been reported in the literature in individuals affected with ZIC2-related conditions. Algorithms developed to predict the effect of missense changes on protein structure and function (SIFT, PolyPhen-2, Align-GVGD) all suggest that this variant is likely to be disruptive. In summary, the available evidence is currently insufficient to determine the role of this variant in disease. Therefore, it has been classified as a Variant of Uncertain Significance.

NM_007129.5(ZIC2):c.853A>T (p.Thr285Ser)

Gene: ZIC2 (Zic family zinc finger 2; plus strand). Cytogenetic location: 13q32.3.
Variant type: single nucleotide variant.
Coding change: c.853A>T on transcript NM_007129.5 (MANE Select); coding-DNA position 853, A replaced by T.
Protein change: p.Thr285Ser; replaces threonine 285 with serine.
Molecular consequence: missense variant.
Genome position (GRCh38, 1-based): chr13:99,982,917, A>T. VCF-style: chr13-99982917-A-T. GRCh37 (hg19) VCF-style: chr13-100635171-A-T.
Other names: short protein forms T285S.
Identifiers: ClinVar variation 2025318 (VCV002025318.4), dbSNP rs1473751203, ClinGen allele CA388638231.